The following is an entry in ClinVar:

ClinVar aggregate classification (germline): Uncertain significance (1 of 4 stars; one submission).

Conditions:
Congenital muscular hypertrophy-cerebral syndrome (CDLS2). Also called: Cornelia de Lange syndrome 2; SMC1A-Related Cornelia de Lange Syndrome. Identifiers: Orphanet 199, MedGen C1802395, MONDO:0010370, OMIM 300590.

Submission:

Labcorp Genetics (formerly Invitae), Labcorp
Classification: Uncertain significance for Congenital muscular hypertrophy-cerebral syndrome. Last evaluated: 2021-08-22. Review status: criteria provided, single submitter. Criteria: Invitae Variant Classification Sherloc (09022015). Collection method: clinical testing. Allele origin: germline.
Comment: A copy number gain of the genomic region encompassing the full coding sequence of the SMC1A gene has been identified. The boundaries of this event are unknown as they extend beyond the assayed region for this gene and therefore may encompass additional genes. As the precise location of this event is unknown, it may be in tandem or it may be located elsewhere in the genome. Isolated whole-gene copy number gains of SMC1A have not been reported in the literature. However, larger copy number events that include this gene have been reported (PMID: 19052029, 23683030). In summary, the available evidence is currently insufficient to determine the role of this variant in disease. Therefore, it has been classified as a Variant of Uncertain Significance.

Literature cited by the submitters: PubMed 19052029; PubMed 23683030.

NC_000023.10:g.(?_53407004)_(53449569_?)dup

Gene: SMC1A (structural maintenance of chromosomes 1A; minus strand). Cytogenetic location: Xp11.22.
Variant type: Duplication.
Identifiers: ClinVar variation 832065 (VCV000832065.2).